The following is an entry in ClinVar:

ClinVar aggregate classification (germline): Uncertain significance. Review status: criteria provided, multiple submitters, no conflicts (2 of 4 stars). 4 submissions from 4 submitters: Uncertain significance (4). Last evaluated 2025-03-09.

Conditions:
Hereditary cancer-predisposing syndrome. Also called: Hereditary neoplastic syndrome; Neoplastic Syndromes, Hereditary; Tumor predisposition; Hereditary Cancer Syndrome. Identifiers: Orphanet 140162, MedGen C0027672, MeSH D009386, MONDO:0015356.
Familial adenomatous polyposis 1 (FAP1). Also called: POLYPOSIS, ADENOMATOUS INTESTINAL; FAMILIAL ADENOMATOUS POLYPOSIS 1, ATTENUATED. Identifiers: MedGen C2713442, MONDO:0021056, OMIM 175100. Disease mechanism: loss of function.
Classic or attenuated familial adenomatous polyposis. Identifiers: MedGen CN372698, MONDO:0021057.

Allele frequency attached by ClinVar (database versions not stated): gnomAD exomes below 0.00001; TOPMed below 0.00001.
gnomAD v4.1: 1 of 1,613,240 alleles (0.000062%); highest among the groups gnomAD compares: Non-Finnish European, 0.000085%; no homozygotes.

Submissions (4):

Labcorp Genetics (formerly Invitae), Labcorp
Classification: Uncertain significance for Familial adenomatous polyposis 1. Last evaluated: 2025-03-09. Review status: criteria provided, single submitter. Criteria: Invitae Variant Classification Sherloc (09022015). Collection method: clinical testing. Allele origin: germline.
Comment: This sequence change replaces glutamine, which is neutral and polar, with histidine, which is basic and polar, at codon 2605 of the APC protein (p.Gln2605His). This variant is not present in population databases (gnomAD no frequency). This variant has not been reported in the literature in individuals affected with APC-related conditions. ClinVar contains an entry for this variant (Variation ID: 470111). Invitae Evidence Modeling of protein sequence and biophysical properties (such as structural, functional, and spatial information, amino acid conservation, physicochemical variation, residue mobility, and thermodynamic stability) indicates that this missense variant is not expected to disrupt APC protein function with a negative predictive value of 95%. In summary, the available evidence is currently insufficient to determine the role of this variant in disease. Therefore, it has been classified as a Variant of Uncertain Significance.

Ambry Genetics
Classification: Uncertain significance for Hereditary cancer-predisposing syndrome. Last evaluated: 2024-03-27. Review status: criteria provided, single submitter. Criteria: Ambry Variant Classification Scheme 2023. Collection method: clinical testing. Allele origin: germline.
Comment: The p.Q2605H variant (also known as c.7815A>C), located in coding exon 15 of the APC gene, results from an A to C substitution at nucleotide position 7815. The glutamine at codon 2605 is replaced by histidine, an amino acid with highly similar properties. This amino acid position is well conserved in available vertebrate species. In addition, in silico predictors for this gene do not accurately predict pathogenicity. Since supporting evidence is limited at this time, the clinical significance of this alteration remains unclear.

Color Diagnostics, LLC DBA Color Health
Classification: Uncertain significance for Hereditary cancer-predisposing syndrome. Last evaluated: 2024-03-07. Review status: criteria provided, single submitter. Criteria: ACMG Guidelines, 2015. Collection method: clinical testing. Allele origin: germline.
Comment: This missense variant replaces glutamine with histidine at codon 2605 of the APC protein. Computational prediction suggests that this variant may not impact protein structure and function. To our knowledge, functional studies have not been reported for this variant. This variant has not been reported in individuals affected with APC-related disorders in the literature. This variant has not been identified in the general population by the Genome Aggregation Database (gnomAD). The available evidence is insufficient to determine the role of this variant in disease conclusively. Therefore, this variant is classified as a Variant of Uncertain Significance.

All of Us Research Program, National Institutes of Health
Classification: Uncertain significance for Classic or attenuated familial adenomatous polyposis. Last evaluated: 2023-04-27. Review status: criteria provided, single submitter. Criteria: ACMG Guidelines, 2015. Collection method: clinical testing. Allele origin: germline. Inheritance: Autosomal dominant inheritance. Observed: 2 variant alleles, 2 heterozygotes.
Comment: This missense variant replaces glutamine with histidine at codon 2605 of the APC protein. Computational prediction suggests that this variant may not impact protein structure and function (internally defined REVEL score threshold <= 0.5, PMID: 27666373). To our knowledge, functional studies have not been reported for this variant. This variant has not been reported in individuals affected with APC-related disorders in the literature. This variant has not been identified in the general population by the Genome Aggregation Database (gnomAD). The available evidence is insufficient to determine the role of this variant in disease conclusively. Therefore, this variant is classified as a Variant of Uncertain Significance.

This study involves interpretation of variants in research participants for the purpose of population health screening. Participant phenotype was not available at the time of variant classification. Additional details can be found in publication PMID: 35346344, PMCID: PMC8962531

NM_000038.6(APC):c.7815A>C (p.Gln2605His)

Gene: APC (APC regulator of Wnt signaling pathway; plus strand). Cytogenetic location: 5q22.2.
Variant type: single nucleotide variant.
Coding change: c.7815A>C on transcript NM_000038.6 (MANE Select); coding-DNA position 7815, A replaced by C.
Protein change: p.Gln2605His; replaces glutamine 2605 with histidine.
Molecular consequence: missense variant.
Genome position (GRCh38, 1-based): chr5:112,843,409, A>C. VCF-style: chr5-112843409-A-C. GRCh37 (hg19) VCF-style: chr5-112179106-A-C.
Other names: c.7815A>C, p.Gln2605His (NM_001127510.3, NM_001354895.2); c.7761A>C, p.Gln2587His (NM_001127511.3); c.7869A>C, p.Gln2623His (NM_001354896.2); c.7845A>C, p.Gln2615His (NM_001354897.2); c.7740A>C, p.Gln2580His (NM_001354898.2); c.7731A>C, p.Gln2577His (NM_001354899.2); c.7692A>C, p.Gln2564His (NM_001354900.2); c.7638A>C, p.Gln2546His (NM_001354901.2); and 5 more; short protein forms Q2587H, Q2605H, Q2577H, Q2623H, Q2479H, Q2504H, Q2514H, Q2546H.
Identifiers: ClinVar variation 470111 (VCV000470111.19), dbSNP rs1554088680, ClinGen allele CA16038310.
Genomic context (GRCh38, chr5:112,843,409, plus strand): 5'-AAGTGAGGATGAAAAACATGTGAACTCTATTTCAGGAACCAAACAAAGTAAAGAAAACCA[A>C]GTATCCGCAAAAGGAACATGGAGAAAAATAAAAGAAAATGAATTTTCTCCCACAAATAGT-3'
Protein context (NP_000029.2, residues 2595-2615): ISGTKQSKEN[Gln2605His]VSAKGTWRKI